The following is an entry in ClinVar:

ClinVar aggregate classification (germline): Likely benign (1 of 4 stars; one submission).

Conditions:
LEPR-related disorder. Also called: LEPR-related disorders; LEPR-related condition.

Submission:

PreventionGenetics, part of Exact Sciences
Classification: Likely benign for LEPR-related condition. Last evaluated: 2025-04-24. Review status: criteria provided, single submitter. Criteria: ACMG Guidelines, 2015. Collection method: clinical testing. Allele origin: germline.
Comment: This variant is classified as likely benign based on ACMG/AMP sequence variant interpretation guidelines (Richards et al. 2015 PMID: 25741868, with internal and published modifications).

NM_002303.6(LEPR):c.704-9T>C

Gene: LEPR (leptin receptor; plus strand). Cytogenetic location: 1p31.3.
Variant type: single nucleotide variant.
Coding change: c.704-9T>C on transcript NM_002303.6 (MANE Select); 9 bases into the intron before coding-DNA position 704, T replaced by C.
Molecular consequence: intron variant.
Genome position (GRCh38, 1-based): chr1:65,596,439, T>C. VCF-style: chr1-65596439-T-C. GRCh37 (hg19) VCF-style: chr1-66062122-T-C.
Other names: c.704-9T>C (NM_001003679.3, NM_001003680.3, NM_001198689.2 and 2 more transcripts).
Identifiers: ClinVar variation 4997584 (VCV004997584.1).
Genomic context (GRCh38, chr1:65,596,439, plus strand): 5'-TTATTTTATTCAGCTATAATTGTCATGAAAATTACTTGACTTAAAAGTATTCTCTTTTTT[T>C]TCCTTAAGTGAAGCCTGATCCACCATTAGGTTTGCATATGGAAATCACAGATGATGGTAA-3'